The following is an entry in ClinVar:

ClinVar aggregate classification (germline): Likely benign (1 of 4 stars; one submission).

Allele frequency attached by ClinVar (database versions not stated): 1000 Genomes Project 0.00020; gnomAD exomes 0.00028; 1000 Genomes Project 30x 0.00031; TOPMed 0.00031; gnomAD 0.00032; ESP Exome Variant Server 0.00038; ExAC 0.00057.
gnomAD v4.1: 488 of 1,613,282 alleles (0.03%); highest among the groups gnomAD compares: Middle Eastern, 0.31%; 4 homozygotes.

Submission:

CeGaT Center for Human Genetics Tuebingen
Classification: Likely benign. Last evaluated: 2026-02-01. Review status: criteria provided, single submitter. Criteria: CeGaT Center For Human Genetics Tuebingen Variant Classification Criteria Version 2. Collection method: clinical testing. Allele origin: germline. Affected: yes. Observed: 3 variant alleles.
Comment: SLC45A1: BP4, BP7

NM_001080397.3(SLC45A1):c.249C>T (p.Ser83=)

Gene: SLC45A1 (solute carrier family 45 member 1; plus strand). Cytogenetic location: 1p36.23.
Variant type: single nucleotide variant.
Coding change: c.249C>T on transcript NM_001080397.3 (MANE Select); coding-DNA position 249, C replaced by T.
Protein change: p.Ser83=; no amino-acid change (serine 83 retained).
Molecular consequence: synonymous variant. On other transcripts: intron variant (2).
Genome position (GRCh38, 1-based): chr1:8,324,578, C>T. VCF-style: chr1-8324578-C-T. GRCh37 (hg19) VCF-style: chr1-8384638-C-T.
Other names: c.249C>T, p.Ser83= (NM_001379614.1, NM_001379615.1, NM_001379616.1); c.-116-1240C>T (NM_001379617.1, NM_001379618.1).
Identifiers: ClinVar variation 2638148 (VCV002638148.24), dbSNP rs149831242, ClinGen allele CA570030.
Genomic context (GRCh38, chr1:8,324,578, plus strand): 5'-CCCCAACACCCCGTGCCCGCTTGAGCTGGTGGACTTCGGGGACCTGCACCCCCAGAGGTC[C>T]TTCCGGGAGCTGCTTTTCAACGGCTGCATTCTCTTTGGCATCGAGTTCAGCTACGCCATG-3'
Protein context (NP_001073866.3, residues 73-93): VDFGDLHPQR[Ser83=]FRELLFNGCI